The following is an entry in ClinVar:

NM_004456.5(EZH2):c.625+5G>A

Gene: EZH2 (enhancer of zeste 2 polycomb repressive complex 2 subunit; minus strand). Cytogenetic location: 7q36.1.
Variant type: single nucleotide variant.
Coding change: c.625+5G>A on transcript NM_004456.5 (MANE Select); 5 bases into the intron after coding-DNA position 625, G replaced by A.
Molecular consequence: intron variant.
Genome position (GRCh38, 1-based): chr7:148,828,735, C>T on the plus strand (G>A on the coding strand, the complement: EZH2 is on the minus strand). VCF-style: chr7-148828735-C-T. GRCh37 (hg19) VCF-style: chr7-148525827-C-T.
Other names: c.598+5G>A (NM_001203248.2, NM_001203249.2); c.508+5G>A (NM_152998.3); c.625+5G>A (NM_001203247.2).
Identifiers: ClinVar variation 459204 (VCV000459204.17), dbSNP rs143615322, ClinGen allele CA4548089.

ClinVar aggregate classification (germline): Benign/Likely benign. Review status: criteria provided, multiple submitters, no conflicts (2 of 4 stars). 4 submissions from 4 submitters: Benign (1); Likely benign (2). 1 of the submissions does not count toward it. Last evaluated 2025-11-17.

Conditions:
EZH2-related disorder.
Weaver syndrome (WVS). Also called: Weaver Smith syndrome; Overgrowth syndrome with accelerated skeletal maturation, unusual facies, and camptodactyly. Identifiers: Orphanet 3447, MedGen C0265210, MONDO:0010193, OMIM 277590.

Allele frequency attached by ClinVar (database versions not stated): gnomAD exomes 0.00007 and 0.00018; ExAC 0.00020; 1000 Genomes Project 30x 0.00047; 1000 Genomes Project 0.00060; gnomAD 0.00062 and 0.00066; TOPMed 0.00065; ESP Exome Variant Server 0.00100.
gnomAD v4.1: 201 of 1,612,266 alleles (0.012%); highest among the groups gnomAD compares: African/African-American, 0.23%; no homozygotes.

Submissions (4):

Labcorp Genetics (formerly Invitae), Labcorp
Classification: Likely benign for Weaver syndrome. Last evaluated: 2025-11-17. Review status: criteria provided, single submitter. Criteria: Invitae Variant Classification Sherloc (09022015). Collection method: clinical testing. Allele origin: germline.

Blueprint Genetics
Classification: Likely benign. Last evaluated: 2023-12-18. Review status: criteria provided, single submitter. Criteria: ACMG Guidelines, 2015. Collection method: clinical testing. Allele origin: germline.

GeneDx
Classification: Benign. Last evaluated: 2021-04-29. Review status: criteria provided, single submitter. Criteria: GeneDx Variant Classification Process June 2021. Collection method: clinical testing. Allele origin: germline. Affected: yes.

PreventionGenetics, part of Exact Sciences
Classification: Likely benign for EZH2-related condition. Last evaluated: 2020-04-20. Review status: no assertion criteria provided. Collection method: clinical testing. Allele origin: germline. Not counted in ClinVar's aggregate classification.
Comment: This variant is classified as likely benign based on ACMG/AMP sequence variant interpretation guidelines (Richards et al. 2015 PMID: 25741868, with internal and published modifications).